The following is an entry in ClinVar:

NM_001367949.2(FAT3):c.8268C>G (p.Phe2756Leu)

Gene: FAT3 (FAT atypical cadherin 3; plus strand). Cytogenetic location: 11q14.3.
Variant type: single nucleotide variant.
Coding change: c.8268C>G on transcript NM_001367949.2 (MANE Select); coding-DNA position 8268, C replaced by G.
Protein change: p.Phe2756Leu; replaces phenylalanine 2756 with leucine.
Molecular consequence: missense variant.
Genome position (GRCh38, 1-based): chr11:92,801,281, C>G. VCF-style: chr11-92801281-C-G. GRCh37 (hg19) VCF-style: chr11-92534447-C-G.
Other names: c.8268C>G, p.Phe2756Leu (NM_001008781.3); short protein forms F2756L.
Identifiers: ClinVar variation 3897761 (VCV003897761.1).

ClinVar aggregate classification (oncogenicity): Uncertain significance (1 of 4 stars; one submission).

Conditions:
Meningioma. Also called: Meningioma, somatic. Identifiers: Orphanet 2495, MedGen C0025286, MONDO:0016642, HP:0002858.

Submission:

Dr. Guy Rouleau's laboratory, McGill University
Classification: Uncertain significance for Meningioma. Last evaluated: 2025-03-30. Review status: criteria provided, single submitter. Criteria: ClinGen/CGC/VICC Guidelines for Oncogenicity, 2022. Collection method: research. Allele origin: somatic. Affected: yes.
Comment: This missense variant, located at position 2756 in the FAT3 gene, results in the substitution of Phenylalanine (F), an aromatic amino acid, with Leucine (L), a neutral and non-polar amino acid. This somatic variant was identified in a paired tumor-blood sequencing study of meningiomas. It has not been reported in population databases (gnomAD v2.1.1: no frequency). Due to insufficient evidence, the clinical significance of this variant remains unknown.